The following is an entry in ClinVar:

NM_001382430.1(AKT1):c.493A>T (p.Ile165Phe)

Gene: AKT1 (AKT serine/threonine kinase 1; minus strand). Cytogenetic location: 14q32.33.
Variant type: single nucleotide variant.
Coding change: c.493A>T on transcript NM_001382430.1 (MANE Select); coding-DNA position 493, A replaced by T.
Protein change: p.Ile165Phe; replaces isoleucine 165 with phenylalanine.
Molecular consequence: missense variant.
Genome position (GRCh38, 1-based): chr14:104,775,150, T>A on the plus strand (A>T on the coding strand, the complement: AKT1 is on the minus strand). VCF-style: chr14-104775150-T-A. GRCh37 (hg19) VCF-style: chr14-105241487-T-A.
Other names: c.493A>T, p.Ile165Phe (NM_001014431.2, NM_001014432.2, NM_001382431.1 and 3 more transcripts); short protein forms I165F.
Identifiers: ClinVar variation 2003501 (VCV002003501.4), dbSNP rs2140917455, ClinGen allele CA391219537.

ClinVar aggregate classification (germline): Uncertain significance (1 of 4 stars; one submission).

Conditions:
Cowden syndrome 6 (CWS6). Identifiers: Orphanet 201, MedGen C3554519, MONDO:0014048, OMIM 615109.

Submission:

Labcorp Genetics (formerly Invitae), Labcorp
Classification: Uncertain significance for Cowden syndrome 6. Last evaluated: 2022-07-14. Review status: criteria provided, single submitter. Criteria: Invitae Variant Classification Sherloc (09022015). Collection method: clinical testing. Allele origin: germline.
Comment: This variant is not present in population databases (gnomAD no frequency). In summary, the available evidence is currently insufficient to determine the role of this variant in disease. Therefore, it has been classified as a Variant of Uncertain Significance. Algorithms developed to predict the effect of missense changes on protein structure and function are either unavailable or do not agree on the potential impact of this missense change (SIFT: "Tolerated"; PolyPhen-2: "Probably Damaging"; Align-GVGD: "Class C0"). This variant has not been reported in the literature in individuals affected with AKT1-related conditions. This sequence change replaces isoleucine, which is neutral and non-polar, with phenylalanine, which is neutral and non-polar, at codon 165 of the AKT1 protein (p.Ile165Phe).